The following is an entry in ClinVar:

ClinVar aggregate classification (germline): Uncertain significance (1 of 4 stars; one submission).

Allele frequency attached by ClinVar (database versions not stated): TOPMed below 0.00001; gnomAD exomes 0.00001; ExAC 0.00002.
gnomAD v4.1: 10 of 1,614,080 alleles (0.00062%); highest among the groups gnomAD compares: East Asian, 0.0089%; no homozygotes.

Submission:

Labcorp Genetics (formerly Invitae), Labcorp
Classification: Uncertain significance. Last evaluated: 2025-08-02. Review status: criteria provided, single submitter. Criteria: Invitae Variant Classification Sherloc (09022015). Collection method: clinical testing. Allele origin: germline.
Comment: This sequence change replaces histidine, which is basic and polar, with arginine, which is basic and polar, at codon 553 of the NLRP1 protein (p.His553Arg). This variant is present in population databases (rs766412162, gnomAD 0.01%). This variant has not been reported in the literature in individuals affected with NLRP1-related conditions. ClinVar contains an entry for this variant (Variation ID: 1941875). An algorithm developed to predict the effect of missense changes on protein structure and function outputs the following: PolyPhen-2: "Benign". The arginine amino acid residue is found in multiple mammalian species, which suggests that this missense change does not adversely affect protein function. In summary, the available evidence is currently insufficient to determine the role of this variant in disease. Therefore, it has been classified as a Variant of Uncertain Significance.

NM_033004.4(NLRP1):c.1658A>G (p.His553Arg)

Gene: NLRP1 (NLR family pyrin domain containing 1; minus strand). Cytogenetic location: 17p13.2.
Variant type: single nucleotide variant.
Coding change: c.1658A>G on transcript NM_033004.4 (MANE Select); coding-DNA position 1658, A replaced by G.
Protein change: p.His553Arg; replaces histidine 553 with arginine.
Molecular consequence: missense variant.
Genome position (GRCh38, 1-based): chr17:5,559,038, T>C on the plus strand (A>G on the coding strand, the complement: NLRP1 is on the minus strand). VCF-style: chr17-5559038-T-C. GRCh37 (hg19) VCF-style: chr17-5462358-T-C.
Other names: c.1658A>G, p.His553Arg (NM_001033053.3, NM_014922.5, NM_033006.4 and 1 more transcripts); short protein forms H553R.
Identifiers: ClinVar variation 1941875 (VCV001941875.5), dbSNP rs766412162, ClinGen allele CA8327345.